The following is an entry in ClinVar:

NM_004535.3(MYT1):c.886G>A (p.Glu296Lys)

Gene: MYT1 (myelin transcription factor 1; plus strand). Cytogenetic location: 20q13.33.
Variant type: single nucleotide variant.
Coding change: c.886G>A on transcript NM_004535.3 (MANE Select); coding-DNA position 886, G replaced by A.
Protein change: p.Glu296Lys; replaces glutamic acid 296 with lysine.
Molecular consequence: missense variant.
Genome position (GRCh38, 1-based): chr20:64,208,082, G>A. VCF-style: chr20-64208082-G-A. GRCh37 (hg19) VCF-style: chr20-62839435-G-A.
Other names: short protein forms E296K.
Identifiers: ClinVar variation 3038721 (VCV003038721.3), dbSNP rs143133195, ClinGen allele CA9974724.

ClinVar aggregate classification (germline): Uncertain significance. Review status: criteria provided, single submitter (1 of 4 stars). 2 submissions from 2 submitters: Uncertain significance (1). 1 of the submissions does not count toward it. Last evaluated 2024-02-12.

Conditions:
Inborn genetic diseases. Identifiers: MedGen C0950123, MeSH D030342.
MYT1-related disorder. Also called: MYT1-related condition.

Allele frequency attached by ClinVar (database versions not stated): 1000 Genomes Project 0.00040; gnomAD 0.00089; ESP Exome Variant Server 0.00100; ExAC 0.00132; gnomAD exomes 0.00143.
gnomAD v4.1: 2,180 of 1,600,396 alleles (0.14%); highest among the groups gnomAD compares: Non-Finnish European, 0.17%; no homozygotes.

Submissions (2):

Ambry Genetics
Classification: Uncertain significance for Inborn genetic diseases. Last evaluated: 2024-02-12. Review status: criteria provided, single submitter. Criteria: Ambry Variant Classification Scheme 2023. Collection method: clinical testing. Allele origin: germline.

PreventionGenetics, part of Exact Sciences
Classification: Likely benign for MYT1-related condition. Last evaluated: 2022-02-09. Review status: no assertion criteria provided. Collection method: clinical testing. Allele origin: germline. Not counted in ClinVar's aggregate classification.
Comment: This variant is classified as likely benign based on ACMG/AMP sequence variant interpretation guidelines (Richards et al. 2015 PMID: 25741868, with internal and published modifications).